The following is an entry in ClinVar:

NM_020778.5(ALPK3):c.1654-2A>C

Gene: ALPK3 (alpha kinase 3; plus strand). Cytogenetic location: 15q25.3.
Variant type: single nucleotide variant.
Coding change: c.1654-2A>C on transcript NM_020778.5 (MANE Select); the canonical splice acceptor site of the intron before coding-DNA position 1654, A replaced by C.
Molecular consequence: splice acceptor variant.
Genome position (GRCh38, 1-based): chr15:84,856,390, A>C. VCF-style: chr15-84856390-A-C. GRCh37 (hg19) VCF-style: chr15-85399621-A-C.
Identifiers: ClinVar variation 1345214 (VCV001345214.8), dbSNP rs2141567039, ClinGen allele CA393354166.

ClinVar aggregate classification (germline): Likely pathogenic (1 of 4 stars; one submission).

gnomAD v4.1: 1 of 1,583,480 alleles (0.000063%); no homozygotes.

Submission:

Labcorp Genetics (formerly Invitae), Labcorp
Classification: Likely pathogenic. Last evaluated: 2022-05-12. Review status: criteria provided, single submitter. Criteria: Invitae Variant Classification Sherloc (09022015). Collection method: clinical testing. Allele origin: germline.
Comment: This sequence change affects an acceptor splice site in intron 5 of the ALPK3 gene. It is expected to disrupt RNA splicing. Variants that disrupt the donor or acceptor splice site typically lead to a loss of protein function (PMID: 16199547), and loss-of-function variants in ALPK3 are known to be pathogenic (PMID: 21441111, 26846950, 27106955, 34263907). This variant is not present in population databases (gnomAD no frequency). This variant has not been reported in the literature in individuals affected with ALPK3-related conditions. Algorithms developed to predict the effect of sequence changes on RNA splicing suggest that this variant may disrupt the consensus splice site. In summary, the currently available evidence indicates that the variant is pathogenic, but additional data are needed to prove that conclusively. Therefore, this variant has been classified as Likely Pathogenic.

Literature cited by the submitters: PubMed 16199547; PubMed 21441111; PubMed 26846950; PubMed 27106955; PubMed 34263907.